The following is an entry in ClinVar:

ClinVar aggregate classification (germline): Uncertain significance (1 of 4 stars; one submission).

Conditions:
Ataxia-telangiectasia syndrome (AT). Also called: Ataxia-telangiectasia; LOUIS-BAR SYNDROME; AT, COMPLEMENTATION GROUP C; Ataxia-telangiectasia, complementation group E; Ataxia telangiectasia (A-T); Cerebello-oculocutaneous telangiectasia. Identifiers: Orphanet 100, MedGen C0004135, MONDO:0008840, OMIM 208900.

Submission:

Labcorp Genetics (formerly Invitae), Labcorp
Classification: Uncertain significance for Ataxia-telangiectasia syndrome. Last evaluated: 2021-11-12. Review status: criteria provided, single submitter. Criteria: Invitae Variant Classification Sherloc (09022015). Collection method: clinical testing. Allele origin: germline.
Comment: This sequence change replaces phenylalanine, which is neutral and non-polar, with tyrosine, which is neutral and polar, at codon 1780 of the ATM protein (p.Phe1780Tyr). This variant is not present in population databases (gnomAD no frequency). This variant has not been reported in the literature in individuals affected with ATM-related conditions. Advanced modeling of protein sequence and biophysical properties (such as structural, functional, and spatial information, amino acid conservation, physicochemical variation, residue mobility, and thermodynamic stability) performed at Invitae indicates that this missense variant is not expected to disrupt ATM protein function. In summary, the available evidence is currently insufficient to determine the role of this variant in disease. Therefore, it has been classified as a Variant of Uncertain Significance.

NM_000051.4(ATM):c.5339T>A (p.Phe1780Tyr)

Gene: ATM (ATM serine/threonine kinase; plus strand). Cytogenetic location: 11q22.3.
Variant type: single nucleotide variant.
Coding change: c.5339T>A on transcript NM_000051.4 (MANE Select); coding-DNA position 5339, T replaced by A.
Protein change: p.Phe1780Tyr; replaces phenylalanine 1780 with tyrosine.
Molecular consequence: missense variant.
Genome position (GRCh38, 1-based): chr11:108,302,872, T>A. VCF-style: chr11-108302872-T-A. GRCh37 (hg19) VCF-style: chr11-108173599-T-A.
Other names: c.5339T>A, p.Phe1780Tyr (NM_001351834.2); short protein forms F1780Y.
Identifiers: ClinVar variation 1449716 (VCV001449716.6), dbSNP rs2083497990, ClinGen allele CA382543137.
Genomic context (GRCh38, chr11:108,302,872, plus strand): 5'-CCACTTCTCTTATTTACATTTTCTAATCCCTTTCTTTCTAGTTTTTAGAAGTACCCAGAT[T>A]TGACAAAGAAAACCCTTTTGAAGGCCTGGATGATATAAATCTGTGGATTCCTCTAAGTGA-3'
Protein context (NP_000042.3, residues 1770-1790): SRKKFLEVPR[Phe1780Tyr]DKENPFEGLD